The following is an entry in ClinVar:

ClinVar aggregate classification (germline): Uncertain significance (1 of 4 stars; one submission).

Conditions:
Malignant hyperthermia, susceptibility to, 1 (MHS1). Also called: RYR1-Related Malignant Hyperthermia Susceptibility; Malignant hyperthermia suceptibility 1; Anesthesia related hyperthermia; Malignant hyperpyrexia; Fulminating hyperpyrexia; Pharmacogenic myopathy. Identifiers: Orphanet 423, MedGen C2930980, MONDO:0007783, OMIM 145600.

gnomAD v4.1: 2 of 1,613,962 alleles (0.00012%); highest among the groups gnomAD compares: East Asian, 0.0045%; no homozygotes.

Submission:

Color Diagnostics, LLC DBA Color Health
Classification: Uncertain significance for Malignant hyperthermia, susceptibility to, 1. Last evaluated: 2025-09-05. Review status: criteria provided, single submitter. Criteria: ACMG Guidelines, 2015. Collection method: clinical testing. Allele origin: germline.
Comment: This missense variant replaces threonine with alanine at codon 2152 of the RYR1 protein. Computational prediction is inconclusive regarding the impact of this variant on protein structure and function. To our knowledge, functional studies have not been reported for this variant. This variant has not been reported in individuals affected with RYR1-related disorders in the literature. This variant has not been identified in the general population by the Genome Aggregation Database (gnomAD). The available evidence is insufficient to determine the role of this variant in disease conclusively. Therefore, this variant is classified as a Variant of Uncertain Significance.

NM_000540.3(RYR1):c.6454A>G (p.Thr2152Ala)

Gene: RYR1 (ryanodine receptor 1; plus strand). Cytogenetic location: 19q13.2.
Variant type: single nucleotide variant.
Coding change: c.6454A>G on transcript NM_000540.3 (MANE Select); coding-DNA position 6454, A replaced by G.
Protein change: p.Thr2152Ala; replaces threonine 2152 with alanine.
Molecular consequence: missense variant.
Genome position (GRCh38, 1-based): chr19:38,494,531, A>G. VCF-style: chr19-38494531-A-G. GRCh37 (hg19) VCF-style: chr19-38985171-A-G.
Other names: c.6454A>G, p.Thr2152Ala (NM_001042723.2); short protein forms T2152A.
Identifiers: ClinVar variation 4758061 (VCV004758061.1).
Genomic context (GRCh38, chr19:38,494,531, plus strand): 5'-GGTGAGCTGCTGCGTGCCCTGCCGCGGGCGTACACCATCTCACCGTCCTCCGTGGAAGAC[A>G]CCATGAGCCTGCTCGAGTGCCTCGGCCAGATCCGCTCGCTGCTCATCGTGCAGATGGGCC-3'
Protein context (NP_000531.2, residues 2142-2162): YTISPSSVED[Thr2152Ala]MSLLECLGQI